The following is an entry in ClinVar:

NM_015978.3(TNNI3K):c.1843T>C (p.Ser615Pro)

Genes: FPGT-TNNI3K (FPGT-TNNI3K readthrough; plus strand), TNNI3K (TNNI3 interacting kinase; plus strand). Cytogenetic location: 1p31.1.
Variant type: single nucleotide variant.
Coding change: c.1843T>C on transcript NM_015978.3 (MANE Select); coding-DNA position 1843, T replaced by C.
Protein change: p.Ser615Pro; replaces serine 615 with proline.
Molecular consequence: missense variant.
Genome position (GRCh38, 1-based): chr1:74,436,491, T>C. VCF-style: chr1-74436491-T-C. GRCh37 (hg19) VCF-style: chr1-74902175-T-C.
Other names: c.2146T>C, p.Ser716Pro (NM_001112808.3, NM_001199327.2); short protein forms S716P, S615P.
Identifiers: ClinVar variation 3725973 (VCV003725973.2).

ClinVar aggregate classification (germline): Uncertain significance (1 of 4 stars; one submission).

Submission:

Labcorp Genetics (formerly Invitae), Labcorp
Classification: Uncertain significance. Last evaluated: 2024-11-24. Review status: criteria provided, single submitter. Criteria: Invitae Variant Classification Sherloc (09022015). Collection method: clinical testing. Allele origin: germline.
Comment: This sequence change replaces serine, which is neutral and polar, with proline, which is neutral and non-polar, at codon 615 of the TNNI3K protein (p.Ser615Pro). This variant is not present in population databases (gnomAD no frequency). This variant has not been reported in the literature in individuals affected with TNNI3K-related conditions. An algorithm developed to predict the effect of missense changes on protein structure and function (PolyPhen-2) suggests that this variant is likely to be disruptive. In summary, the available evidence is currently insufficient to determine the role of this variant in disease. Therefore, it has been classified as a Variant of Uncertain Significance.